The following is an entry in ClinVar:

NM_018671.5(UNC45A):c.2258C>T (p.Ala753Val)

Gene: UNC45A (unc-45 myosin chaperone A; plus strand). Cytogenetic location: 15q26.1.
Variant type: single nucleotide variant.
Coding change: c.2258C>T on transcript NM_018671.5 (MANE Select); coding-DNA position 2258, C replaced by T.
Protein change: p.Ala753Val; replaces alanine 753 with valine.
Molecular consequence: missense variant.
Genome position (GRCh38, 1-based): chr15:90,950,570, C>T. VCF-style: chr15-90950570-C-T. GRCh37 (hg19) VCF-style: chr15-91493800-C-T.
Other names: c.2213C>T, p.Ala738Val (NM_001039675.2, NM_001323621.2); c.2258C>T, p.Ala753Val (NM_001323619.1); c.1823C>T, p.Ala608Val (NM_001323620.2); short protein forms A738V, A753V, A608V.
Identifiers: ClinVar variation 1423743 (VCV001423743.7), dbSNP rs777532450, ClinGen allele CA7743224.
Genomic context (GRCh38, chr15:90,950,570, plus strand): 5'-TGGTCCGGCCCCTCGTCTCCCTGTTGCACCTCAACTGCTCAGGCCTGCAGAACTTCGAGG[C>T]GCTCATGGCCCTAACAAACCTGGCTGGGATCAGCGAGAGGCTCCGGTAAGGTCCCTTGGG-3'
Protein context (NP_061141.2, residues 743-763): LNCSGLQNFE[Ala753Val]LMALTNLAGI

ClinVar aggregate classification (germline): Uncertain significance. Review status: criteria provided, multiple submitters, no conflicts (2 of 4 stars). 2 submissions from 2 submitters: Uncertain significance (2). Last evaluated 2026-08-03.

Conditions:
UNC45A-related disorder. Also called: UNC45A-related condition.

Allele frequency attached by ClinVar (database versions not stated): gnomAD exomes 0.00002 and 0.00005; ExAC 0.00003; TOPMed 0.00003; gnomAD 0.00004.
gnomAD v4.1: 33 of 1,614,196 alleles (0.002%); highest among the groups gnomAD compares: East Asian, 0.016%; no homozygotes.

Submissions (2):

PreventionGenetics, part of Exact Sciences
Classification: Uncertain significance for UNC45A-related condition. Last evaluated: 2026-08-03. Review status: criteria provided, single submitter. Criteria: ACMG Guidelines, 2015. Collection method: clinical testing. Allele origin: germline.
Comment: The UNC45A c.2258C>T variant is predicted to result in the amino acid substitution p.Ala753Val. To our knowledge, this variant has not been reported in the literature. This variant is reported in 0.050% of alleles in individuals of East Asian descent in gnomAD. At this time, the clinical significance of this variant is uncertain due to the absence of conclusive functional and genetic evidence.

Labcorp Genetics (formerly Invitae), Labcorp
Classification: Uncertain significance. Last evaluated: 2026-01-11. Review status: criteria provided, single submitter. Criteria: Invitae Variant Classification Sherloc (09022015). Collection method: clinical testing. Allele origin: germline.
Comment: This sequence change replaces alanine, which is neutral and non-polar, with valine, which is neutral and non-polar, at codon 753 of the UNC45A protein (p.Ala753Val). This variant is present in population databases (rs777532450, gnomAD 0.05%). This variant has not been reported in the literature in individuals affected with UNC45A-related conditions. ClinVar contains an entry for this variant (Variation ID: 1423743). Invitae Evidence Modeling of protein sequence and biophysical properties (such as structural, functional, and spatial information, amino acid conservation, physicochemical variation, residue mobility, and thermodynamic stability) indicates that this missense variant is expected to disrupt UNC45A protein function with a positive predictive value of 80%. In summary, the available evidence is currently insufficient to determine the role of this variant in disease. Therefore, it has been classified as a Variant of Uncertain Significance.